The following is an entry in ClinVar:

ClinVar aggregate classification (germline): Pathogenic (1 of 4 stars; one submission).

Conditions:
Intellectual developmental disorder, autosomal dominant 29. Also called: SETBP1 Haploinsufficiency Disorder; Intellectual disability, autosomal dominant 29. Identifiers: Orphanet 436151, MedGen C4015141, MONDO:0014482, OMIM 616078.

Submission:

Victorian Clinical Genetics Services, Murdoch Childrens Research Institute
Classification: Pathogenic for Intellectual developmental disorder, autosomal dominant 29. Last evaluated: 2022-09-02. Review status: criteria provided, single submitter. Criteria: ACMG Guidelines, 2015. Collection method: clinical testing. Allele origin: germline. Inheritance: Autosomal dominant inheritance. Affected: yes.
Comment: Based on the classification scheme VCGS_Germline_v1.3.4, this variant is classified as Pathogenic. Following criteria are met: 0103 - Loss of function and gain of function are known mechanisms of disease in this gene and are associated with autosomal dominant intellectual developmental disorder 29 (MIM#616078) and Schinzel-Giedion midface retraction syndrome (MIM#269150), respectively. The former is caused by premature termination variants, whereas the latter is caused by missense variants resulting in increased SETBP1 protein stability (PMID: 25217958, 28346496, 32460883). (I) 0107 - This gene is associated with autosomal dominant disease. (I) 0201 - Variant is predicted to cause nonsense-mediated decay (NMD) and loss of protein (premature termination codon is located at least 54 nucleotides upstream of the final exon-exon junction). (SP) 0251 - This variant is heterozygous. (I) 0301 - Variant is absent from gnomAD (both v2 and v3). (SP) 0701 - Other NMD-predicted variants comparable to the one identified in this case have very strong previous evidence for pathogenicity (ClinVar). (SP) 0807 - This variant has no previous evidence of pathogenicity. (I) 0905 - No published segregation evidence has been identified for this variant. (I) 1007 - No published functional evidence has been identified for this variant. (SP) Legend: (SP) - Supporting pathogenic, (I) - Information, (SB) - Supporting benign

Literature cited by the submitters: PubMed 25217958; PubMed 28346496; PubMed 32460883.

NM_015559.3(SETBP1):c.2087dup (p.Glu697fs)

Gene: SETBP1 (SET binding protein 1; plus strand). Cytogenetic location: 18q12.3.
Variant type: Duplication.
Coding change: c.2087dup on transcript NM_015559.3 (MANE Select); coding-DNA position 2087, one base duplicated (C; older notation c.2087dupC).
Protein change: p.Glu697fs; shifts the reading frame from glutamic acid 697.
Molecular consequence: frameshift variant.
Genome position (GRCh38, 1-based): chr18:44,951,427, C duplicated; the last of 5 consecutive C bases (chr18:44,951,423-44,951,427); duplicating any one gives the same sequence. VCF-style (leftmost placement, unchanged base first): chr18-44951422-T-TC. GRCh37 (hg19) VCF-style: chr18-42531387-T-TC.
Other names: c.2087dupC (NM_015559.3); c.2087dup, p.Glu697fs (NM_001379141.1, NM_001379142.1); c.2087dup, p.Glu697Argfs (NM_001410862.1); short protein forms E697fs.
Identifiers: ClinVar variation 1805990 (VCV001805990.1), dbSNP rs1568235567, ClinGen allele CA2573320542.
Genomic context (GRCh38, chr18:44,951,422, plus strand): 5'-GAAAAACATCTTGAATCAGATCTTGTCCTGTTCCAGCAGCGTTGCTCTGAAGGCAAAAGC[T>TC]CCCCCAGAGACCAGCCCTGGGGCAGCAGCCATTGAAAGCAAACTGGGCAAGCAGATTAAT-3'